The following is an entry in ClinVar:

NM_001278512.2(AP3B2):c.479dup (p.Tyr160Ter)

Genes: AP3B2 (adaptor related protein complex 3 subunit beta 2; minus strand), CPEB1-AS1 (CPEB1 antisense RNA 1; plus strand). Cytogenetic location: 15q25.2.
Variant type: Duplication.
Coding change: c.479dup on transcript NM_001278512.2 (MANE Select); coding-DNA position 479, one base duplicated (A; older notation c.479dupA).
Protein change: p.Tyr160Ter; replaces tyrosine 160 with a stop codon.
Molecular consequence: nonsense.
Genome position (GRCh38, 1-based): chr15:82,681,462, T duplicated on the plus strand (A on the coding strand, the reverse complement: AP3B2 is on the minus strand). VCF-style (leftmost placement, unchanged base first): chr15-82681461-A-AT. GRCh37 (hg19) VCF-style: chr15-83350213-A-AT.
Other names: c.383dup, p.Tyr128Ter (NM_001278511.2); c.479dup, p.Tyr160Ter (NM_004644.5); short protein forms Y160*, Y128*.
Identifiers: ClinVar variation 4714751 (VCV004714751.1).

ClinVar aggregate classification (germline): Pathogenic (1 of 4 stars; one submission).

Submission:

Labcorp Genetics (formerly Invitae), Labcorp
Classification: Pathogenic. Last evaluated: 2025-12-03. Review status: criteria provided, single submitter. Criteria: Invitae Variant Classification Sherloc (09022015). Collection method: clinical testing. Allele origin: germline.
Comment: This sequence change creates a premature translational stop signal (p.Tyr160*) in the AP3B2 gene. It is expected to result in an absent or disrupted protein product. Loss-of-function variants in AP3B2 are known to be pathogenic (PMID: 27889060). This variant is not present in population databases (gnomAD no frequency). This variant has not been reported in the literature in individuals affected with AP3B2-related conditions. For these reasons, this variant has been classified as Pathogenic.

Literature cited by the submitters: PubMed 27889060.